The following is an entry in ClinVar:

ClinVar aggregate classification (germline): Uncertain significance (1 of 4 stars; one submission).

Conditions:
Supravalvar aortic stenosis (SVAS). Also called: Supravalvar aortic stenosis, Eisenberg type. Identifiers: Orphanet 3193, MedGen C0003499, MONDO:0008504, OMIM 185500, HP:0004381.

Allele frequency attached by ClinVar (database versions not stated): TOPMed 0.00001; gnomAD 0.00002; ESP Exome Variant Server 0.00008.
gnomAD v4.1: 4 of 1,613,622 alleles (0.00025%); highest among the groups gnomAD compares: African/African-American, 0.0053%; no homozygotes.

Submission:

Labcorp Genetics (formerly Invitae), Labcorp
Classification: Uncertain significance for Supravalvar aortic stenosis. Last evaluated: 2023-07-13. Review status: criteria provided, single submitter. Criteria: Invitae Variant Classification Sherloc (09022015). Collection method: clinical testing. Allele origin: germline.
Comment: In summary, the available evidence is currently insufficient to determine the role of this variant in disease. Therefore, it has been classified as a Variant of Uncertain Significance. This sequence change falls in intron 15 of the ELN gene. It does not directly change the encoded amino acid sequence of the ELN protein. It affects a nucleotide within the consensus splice site. This variant is present in population databases (rs375623533, gnomAD 0.01%). This variant has not been reported in the literature in individuals affected with ELN-related conditions. Variants that disrupt the consensus splice site are a relatively common cause of aberrant splicing (PMID: 17576681, 9536098). Algorithms developed to predict the effect of sequence changes on RNA splicing suggest that this variant is not likely to affect RNA splicing.

Literature cited by the submitters: PubMed 17576681; PubMed 9536098.

NM_000501.4(ELN):c.799+6T>A

Gene: ELN (elastin; plus strand). Cytogenetic location: 7q11.23.
Variant type: single nucleotide variant.
Coding change: c.799+6T>A on transcript NM_000501.4 (MANE Select); 6 bases into the intron after coding-DNA position 799, T replaced by A.
Molecular consequence: intron variant.
Genome position (GRCh38, 1-based): chr7:74,048,562, T>A. VCF-style: chr7-74048562-T-A. GRCh37 (hg19) VCF-style: chr7-73462892-T-A.
Other names: c.814+6T>A (NM_001081754.3, NM_001081753.3); c.799+6T>A (NM_001278939.2, NM_001278915.2, NM_001278912.2 and 1 more transcripts); c.757+6T>A (NM_001278916.2); c.691+6T>A (NM_001278913.2); c.784+6T>A (NM_001278914.2); c.769+6T>A (NM_001278917.2, NM_001081752.3); c.667+6T>A (NM_001278918.2).
Identifiers: ClinVar variation 2920522 (VCV002920522.3), dbSNP rs375623533, ClinGen allele CA160129726.